The following is an entry in ClinVar:

NM_001374828.1(ARID1B):c.582C>A (p.Asn194Lys)

Genes: ARID1B (AT-rich interaction domain 1B; plus strand), LOC115308161 (uncharacterized LOC115308161; minus strand). Cytogenetic location: 6q25.3.
Variant type: single nucleotide variant.
Coding change: c.582C>A on transcript NM_001374828.1 (MANE Select); coding-DNA position 582, C replaced by A.
Protein change: p.Asn194Lys; replaces asparagine 194 with lysine.
Molecular consequence: missense variant. On other transcripts: non-coding transcript variant (1).
Genome position (GRCh38, 1-based): chr6:156,778,262, C>A. VCF-style: chr6-156778262-C-A. GRCh37 (hg19) VCF-style: chr6-157099396-C-A.
Other names: c.582C>A, p.Asn194Lys (NM_001371656.1, NM_001374820.1, NM_017519.3); short protein forms N194K.
Identifiers: ClinVar variation 3691634 (VCV003691634.2).

ClinVar aggregate classification (germline): Uncertain significance (1 of 4 stars; one submission).

Submission:

Labcorp Genetics (formerly Invitae), Labcorp
Classification: Uncertain significance. Last evaluated: 2025-12-03. Review status: criteria provided, single submitter. Criteria: Invitae Variant Classification Sherloc (09022015). Collection method: clinical testing. Allele origin: germline.
Comment: This sequence change replaces asparagine, which is neutral and polar, with lysine, which is basic and polar, at codon 111 of the ARID1B protein (p.Asn111Lys). The frequency data for this variant in the population databases is considered unreliable, as metrics indicate poor data quality at this position in the gnomAD database. This variant has not been reported in the literature in individuals affected with ARID1B-related conditions. ClinVar contains an entry for this variant (Variation ID: 3691634). Invitae Evidence Modeling of protein sequence and biophysical properties (such as structural, functional, and spatial information, amino acid conservation, physicochemical variation, residue mobility, and thermodynamic stability) indicates that this missense variant is not expected to disrupt ARID1B protein function with a negative predictive value of 95%. In summary, the available evidence is currently insufficient to determine the role of this variant in disease. Therefore, it has been classified as a Variant of Uncertain Significance.